The following is an entry in ClinVar:

NM_002769.5(PRSS1):c.643T>C (p.Ser215Pro)

Genes: TRB (T cell receptor beta locus; plus strand), PRSS1 (serine protease 1; plus strand). Cytogenetic location: 7q34.
Variant type: single nucleotide variant.
Coding change: c.643T>C on transcript NM_002769.5 (MANE Select); coding-DNA position 643, T replaced by C.
Protein change: p.Ser215Pro; replaces serine 215 with proline.
Molecular consequence: missense variant. On other transcripts: non-coding transcript variant (5).
Genome position (GRCh38, 1-based): chr7:142,752,919, T>C. VCF-style: chr7-142752919-T-C. GRCh37 (hg19) VCF-style: chr7-142460770-T-C.
Other names: short protein forms S215P.
Identifiers: ClinVar variation 1753550 (VCV001753550.2), dbSNP rs1366495669, ClinGen allele CA369610665.

ClinVar aggregate classification (germline): Uncertain significance (1 of 4 stars; one submission).

Conditions:
Hereditary pancreatitis (PCTT). Also called: Hereditary chronic pancreatitis; PRSS1-Related Hereditary Pancreatitis. Identifiers: Orphanet 676, MedGen C0238339, MONDO:0008185, OMIM 167800.

Allele frequency attached by ClinVar (database versions not stated): gnomAD exomes below 0.00001; TOPMed below 0.00001; gnomAD 0.00001.
gnomAD v4.1: 3 of 1,613,984 alleles (0.00019%); highest among the groups gnomAD compares: East Asian, 0.0022%; no homozygotes.

Submission:

Ambry Genetics
Classification: Uncertain significance for Hereditary pancreatitis. Last evaluated: 2022-05-12. Review status: criteria provided, single submitter. Criteria: Ambry Variant Classification Scheme 2023. Collection method: clinical testing. Allele origin: germline.
Comment: The p.S215P variant (also known as c.643T>C), located in coding exon 5 of the PRSS1 gene, results from a T to C substitution at nucleotide position 643. The serine at codon 215 is replaced by proline, an amino acid with similar properties. This amino acid position is highly conserved in available vertebrate species. In addition, this alteration is predicted to be deleterious by in silico analysis. Since supporting evidence is limited at this time, the clinical significance of this alteration remains unclear.